The following is an entry in ClinVar:

ClinVar aggregate classification (germline): Uncertain significance (1 of 4 stars; one submission).

Conditions:
Naxos disease (NXD). Also called: KERATOSIS PALMOPLANTARIS WITH ARRHYTHMOGENIC CARDIOMYOPATHY; MAL DE NAXOS; PALMOPLANTAR KERATODERMA WITH ARRHYTHMOGENIC RIGHT VENTRICULAR CARDIOMYOPATHY AND WOOLLY HAIR; WOOLLY HAIR, PALMOPLANTAR KERATODERMA, AND CARDIAC ABNORMALITIES; CARDIOMYOPATHY, ARRHYTHMOGENIC RIGHT VENTRICULAR, WITH SKIN, HAIR, AND NAIL ABNORMALITIES. Identifiers: Orphanet 34217, MedGen C1832600, MONDO:0011017, OMIM 601214.
Arrhythmogenic right ventricular dysplasia 12. Also called: ARRHYTHMOGENIC RIGHT VENTRICULAR DYSPLASIA, FAMILIAL, 12. Identifiers: MedGen C1969081, MONDO:0012684, OMIM 611528.

Submission:

Labcorp Genetics (formerly Invitae), Labcorp
Classification: Uncertain significance for Arrhythmogenic right ventricular dysplasia 12; Naxos disease. Last evaluated: 2020-01-23. Review status: criteria provided, single submitter. Criteria: Invitae Variant Classification Sherloc (09022015). Collection method: clinical testing. Allele origin: germline.
Comment: This variant is not present in population databases (ExAC no frequency). In summary, the available evidence is currently insufficient to determine the role of this variant in disease. Therefore, it has been classified as a Variant of Uncertain Significance. Algorithms developed to predict the effect of missense changes on protein structure and function are either unavailable or do not agree on the potential impact of this missense change (SIFT: "Tolerated"; PolyPhen-2: "Possibly Damaging"; Align-GVGD: "Class C0"). This variant has not been reported in the literature in individuals with JUP-related conditions. This sequence change replaces glutamic acid with glycine at codon 217 of the JUP protein (p.Glu217Gly). The glutamic acid residue is moderately conserved and there is a moderate physicochemical difference between glutamic acid and glycine.

NM_002230.4(JUP):c.650A>G (p.Glu217Gly)

Gene: JUP (junction plakoglobin; minus strand). Cytogenetic location: 17q21.2.
Variant type: single nucleotide variant.
Coding change: c.650A>G on transcript NM_002230.4 (MANE Select); coding-DNA position 650, A replaced by G.
Protein change: p.Glu217Gly; replaces glutamic acid 217 with glycine.
Molecular consequence: missense variant.
Genome position (GRCh38, 1-based): chr17:41,769,026, T>C on the plus strand (A>G on the coding strand, the complement: JUP is on the minus strand). VCF-style: chr17-41769026-T-C. GRCh37 (hg19) VCF-style: chr17-39925278-T-C.
Other names: c.650A>G, p.Glu217Gly (NM_001352773.2, NM_001352774.2, NM_001352775.2 and 3 more transcripts); short protein forms E217G.
Identifiers: ClinVar variation 1056895 (VCV001056895.9), dbSNP rs2143680736, ClinGen allele CA399502660.
Genomic context (GRCh38, chr17:41,769,026, plus strand): 5'-TACCTGAGCATGCGGACCAGAGCAGGGATGCCACCCGACTTGAAGATGGCGAGCAGCCCC[T>C]CCCGGTGGTGGGAGAGGTTGTGCAGGATGCTGGTGGTGCAGCGGGCTGTGTCCAGGTCGC-3'
Protein context (NP_002221.1, residues 207-227): SILHNLSHHR[Glu217Gly]GLLAIFKSGG